The following is an entry in ClinVar:

ClinVar aggregate classification (germline): Uncertain significance (1 of 4 stars; one submission).

Allele frequency attached by ClinVar (database versions not stated): gnomAD exomes below 0.00001.

Submission:

GeneDx
Classification: Uncertain significance. Last evaluated: 2017-10-19. Review status: criteria provided, single submitter. Criteria: GeneDx Variant Classification (06012015). Collection method: clinical testing. Allele origin: germline. Affected: yes.
Comment: The S1228G variant in the SETD2 gene has not been reported previously as a pathogenic variant, nor as a benign variant, to our knowledge. The S1228G variant is observed in 1/17248 (0.01%) alleles from individuals of East Asian background in large population cohorts (Lek et al., 2016). The S1228G variant is a non-conservative amino acid substitution, which is likely to impact secondary protein structure as these residues differ in polarity, charge, size and/or other properties. This substitution occurs at a position where amino acids with similar properties to Serine are tolerated across species. In silico analysis predicts this variant is probably damaging to the protein structure/function. We interpret S1228G as a variant of uncertain significance.

NM_014159.7(SETD2):c.3682A>G (p.Ser1228Gly)

Gene: SETD2 (SET domain containing 2, histone lysine methyltransferase; minus strand). Cytogenetic location: 3p21.31.
Variant type: single nucleotide variant.
Coding change: c.3682A>G on transcript NM_014159.7 (MANE Select); coding-DNA position 3682, A replaced by G.
Protein change: p.Ser1228Gly; replaces serine 1228 with glycine.
Molecular consequence: missense variant. On other transcripts: non-coding transcript variant (1).
Genome position (GRCh38, 1-based): chr3:47,120,954, T>C on the plus strand (A>G on the coding strand, the complement: SETD2 is on the minus strand). VCF-style: chr3-47120954-T-C. GRCh37 (hg19) VCF-style: chr3-47162444-T-C.
Other names: c.3550A>G, p.Ser1184Gly (NM_001349370.3); short protein forms S1228G, S1184G.
Identifiers: ClinVar variation 452927 (VCV000452927.2), dbSNP rs1294397889, ClinGen allele CA352521568.